The following is an entry in ClinVar:

NM_005566.4(LDHA):c.493C>A (p.Leu165Met)

Gene: LDHA (lactate dehydrogenase A; plus strand). Cytogenetic location: 11p15.1.
Variant type: single nucleotide variant.
Coding change: c.493C>A on transcript NM_005566.4 (MANE Select); coding-DNA position 493, C replaced by A.
Protein change: p.Leu165Met; replaces leucine 165 with methionine.
Molecular consequence: missense variant. On other transcripts: non-coding transcript variant (1).
Genome position (GRCh38, 1-based): chr11:18,402,914, C>A. VCF-style: chr11-18402914-C-A. GRCh37 (hg19) VCF-style: chr11-18424461-C-A.
Other names: c.319C>A, p.Leu107Met (NM_001135239.2); c.580C>A, p.Leu194Met (NM_001165414.2); c.493C>A, p.Leu165Met (NM_001165415.2, NM_001165416.2); short protein forms L165M, L194M, L107M.
Identifiers: ClinVar variation 2088609 (VCV002088609.4), dbSNP rs2494625193, ClinGen allele CA379505136.

ClinVar aggregate classification (germline): Uncertain significance (1 of 4 stars; one submission).

Conditions:
Glycogen storage disease due to lactate dehydrogenase M-subunit deficiency (GSD11). Also called: Glycogen storage disease XI; GSD XI; LACTATE DEHYDROGENASE A DEFICIENCY. Identifiers: Orphanet 284426, MedGen C2931743, MONDO:0013047, OMIM 612933.

Submission:

Labcorp Genetics (formerly Invitae), Labcorp
Classification: Uncertain significance for Glycogen storage disease due to lactate dehydrogenase M-subunit deficiency. Last evaluated: 2022-01-21. Review status: criteria provided, single submitter. Criteria: Invitae Variant Classification Sherloc (09022015). Collection method: clinical testing. Allele origin: germline.
Comment: This sequence change replaces leucine, which is neutral and non-polar, with methionine, which is neutral and non-polar, at codon 165 of the LDHA protein (p.Leu165Met). This variant is not present in population databases (gnomAD no frequency). This variant has not been reported in the literature in individuals affected with LDHA-related conditions. Algorithms developed to predict the effect of missense changes on protein structure and function are either unavailable or do not agree on the potential impact of this missense change (SIFT: "Deleterious"; PolyPhen-2: "Probably Damaging"; Align-GVGD: "Class C0"). In summary, the available evidence is currently insufficient to determine the role of this variant in disease. Therefore, it has been classified as a Variant of Uncertain Significance.